The following is an entry in ClinVar:

NM_014363.6(SACS):c.10788_10789del (p.Gln3597fs)

Gene: SACS (sacsin molecular chaperone; minus strand). Cytogenetic location: 13q12.12.
Variant type: Microsatellite.
Coding change: c.10788_10789del on transcript NM_014363.6 (MANE Select); coding-DNA positions 10788 to 10789, 2 bases deleted (TC; older notation c.10788_10789delTC).
Protein change: p.Gln3597fs; shifts the reading frame from glutamine 3597.
Molecular consequence: frameshift variant.
Genome position (GRCh38, 1-based): chr13:23,333,087-23,333,088, GA deleted on the plus strand (TC on the coding strand, the reverse complement: SACS is on the minus strand); deleting any 2 consecutive bases within chr13:23,333,087-23,333,090 gives the same sequence; the c. name uses the placement nearest the transcript's 3' end. VCF-style (leftmost placement, unchanged base first): chr13-23333086-TGA-T. GRCh37 (hg19) VCF-style: chr13-23907225-TGA-T.
Other names: c.10347_10348del, p.Gln3450fs (NM_001278055.2); short protein forms Q3597fs, Q3450fs.
Identifiers: ClinVar variation 1420330 (VCV001420330.8), dbSNP rs2137572074, ClinGen allele CA2580614621.

ClinVar aggregate classification (germline): Pathogenic (1 of 4 stars; one submission).

Conditions:
Spastic paraplegia. Identifiers: MedGen C0037772, HP:0001258.

Submission:

Labcorp Genetics (formerly Invitae), Labcorp
Classification: Pathogenic for Spastic paraplegia. Last evaluated: 2021-04-18. Review status: criteria provided, single submitter. Criteria: Invitae Variant Classification Sherloc (09022015). Collection method: clinical testing. Allele origin: germline.
Comment: For these reasons, this variant has been classified as Pathogenic. This variant disrupts the C-terminus of the SACS protein. Other variant(s) that disrupt this region (p.Tyr4538*) have been determined to be pathogenic (Invitae). This suggests that variants that disrupt this region of the protein are likely to be causative of disease. This variant has not been reported in the literature in individuals with SACS-related conditions. This variant is not present in population databases (ExAC no frequency). This sequence change creates a premature translational stop signal (p.Gln3597Alafs*8) in the SACS gene. While this is not anticipated to result in nonsense mediated decay, it is expected to disrupt the last 983 amino acid(s) of the SACS protein.